The following is an entry in ClinVar:

ClinVar aggregate classification (germline): Conflicting classifications of pathogenicity. Review status: criteria provided, conflicting classifications (1 of 4 stars). 34 submissions from 34 submitters: Uncertain significance (1); Benign (12); Likely benign (11). 10 of the submissions do not count toward it. Last evaluated 2026-07-01.

Conditions:
Hereditary cancer-predisposing syndrome. Also called: Neoplastic Syndromes, Hereditary; Hereditary Cancer Syndrome; Tumor predisposition; Hereditary neoplastic syndrome. Identifiers: Orphanet 140162, MedGen C0027672, MeSH D009386, MONDO:0015356.
Breast and/or ovarian cancer. Identifiers: MedGen CN221562.
Familial cancer of breast. Also called: hereditary breast carcinoma; BREAST CANCER, FAMILIAL; Hereditary breast cancer. Identifiers: Orphanet 227535, MedGen C0346153, MONDO:0016419, OMIM 114480. Disease mechanism: loss of function.
Ataxia-telangiectasia syndrome (AT). Also called: LOUIS-BAR SYNDROME; Cerebello-oculocutaneous telangiectasia; Immunodeficiency with ataxia telangiectasia; Ataxia-telangiectasia, complementation group E; Ataxia telangiectasia (A-T); Ataxia-telangiectasia, complementation group D. Identifiers: Orphanet 100, MedGen C0004135, MONDO:0008840, OMIM 208900.
Malignant tumor of breast. Also called: Malignant breast neoplasm; Cancer breast. Identifiers: MedGen C0006142, MONDO:0007254. Disease mechanism: loss of function.

Allele frequency attached by ClinVar (database versions not stated): 1000 Genomes Project 30x 0.00016; 1000 Genomes Project 0.00020; TOPMed 0.00156; gnomAD 0.00160 and 0.00169; gnomAD exomes 0.00176; ExAC 0.00202; ESP Exome Variant Server 0.00215.
gnomAD v4.1: 3,240 of 1,614,054 alleles (0.2%); highest among the groups gnomAD compares: Non-Finnish European, 0.24%; 6 homozygotes.

Submissions 1 to 18 of 34:

CeGaT Center for Human Genetics Tuebingen
Classification: Likely benign. Last evaluated: 2026-07-01. Review status: criteria provided, single submitter. Criteria: CeGaT Center For Human Genetics Tuebingen Variant Classification Criteria Version 2. Collection method: clinical testing. Allele origin: germline. Affected: yes. Observed: 47 variant alleles.
Comment: ATM: BP4, BS1

Labcorp Genetics (formerly Invitae), Labcorp
Classification: Benign for Ataxia-telangiectasia syndrome. Last evaluated: 2026-02-04. Review status: criteria provided, single submitter. Criteria: Invitae Variant Classification Sherloc (09022015). Collection method: clinical testing. Allele origin: germline.

Athena Diagnostics
Classification: Benign. Last evaluated: 2025-09-15. Review status: criteria provided, single submitter. Criteria: Athena Diagnostics Criteria. Collection method: clinical testing. Allele origin: unknown.
Comment: The frequency of this variant in the general population is higher than would generally be expected for pathogenic variants in this gene. Computational tools predict this amino acid change may be benign.

ARUP Laboratories, Molecular Genetics and Genomics, ARUP Laboratories
Classification: Likely benign. Last evaluated: 2025-07-29. Review status: criteria provided, single submitter. Criteria: ARUP Molecular Germline Variant Investigation Process 2024. Collection method: clinical testing. Allele origin: germline.

Center for Genomic Medicine, Rigshospitalet, Copenhagen University Hospital
Classification: Likely benign. Last evaluated: 2025-03-04. Review status: criteria provided, single submitter. Criteria: ACMG Guidelines, 2015. Collection method: clinical testing. Allele origin: germline.

Mayo Clinic Laboratories, Mayo Clinic
Classification: Likely benign. Last evaluated: 2025-02-03. Review status: criteria provided, single submitter. Criteria: ACMG Guidelines, 2015. Collection method: clinical testing. Allele origin: germline. Observed: 8 variant alleles.
Comment: BS1, BS3_supporting

Myriad Genetics, Inc.
Classification: Benign for Familial cancer of breast. Last evaluated: 2025-01-10. Review status: criteria provided, single submitter. Criteria: Myriad Autosomal Dominant, Autosomal Recessive and X-Linked Classification Criteria (2023). Collection method: clinical testing. Allele origin: unknown.
Comment: This variant is considered benign. This variant is strongly associated with less severe personal and family histories of cancer, typical for individuals without pathogenic variants in this gene [PMID: 25085752]. This variant has been observed at a population frequency that is significantly greater than expected given the associated disease prevalence and penetrance.

Blueprint Genetics
Classification: Likely benign. Last evaluated: 2024-11-25. Review status: criteria provided, single submitter. Criteria: ACMG Guidelines, 2015. Collection method: clinical testing. Allele origin: germline.

CHEO Genetics Diagnostic Laboratory, Children's Hospital of Eastern Ontario
Classification: Benign for Breast and/or ovarian cancer. Last evaluated: 2022-07-20. Review status: criteria provided, single submitter. Criteria: ACMG Guidelines, 2015. Collection method: clinical testing. Allele origin: germline.

Genetic Services Laboratory, University of Chicago
Classification: Likely benign. Last evaluated: 2021-09-22. Review status: criteria provided, single submitter. Criteria: ACMG Guidelines, 2015. Collection method: clinical testing. Allele origin: germline. Affected: no.

Quest Diagnostics Nichols Institute San Juan Capistrano
Classification: Benign. Last evaluated: 2021-08-20. Review status: criteria provided, single submitter. Criteria: Quest Diagnostics criteria. Collection method: clinical testing. Allele origin: unknown.

GeneDx
Classification: Likely benign. Last evaluated: 2021-06-21. Review status: criteria provided, single submitter. Criteria: GeneDx Variant Classification Process June 2021. Collection method: clinical testing. Allele origin: germline. Affected: yes.
Comment: This variant is associated with the following publications: (PMID: 24728327, 11606401, 26979391, 28652578, 22420423, 22250480, 25742471, 14754616, 19431188, 9463314, 25980754, 26787654, 11505391, 27153395, 28202063, 28196074, 26933808, 28695297, 25133958, 28767289)

Spanish ATM Cancer Susceptibility Variant Interpretation Working Group
Classification: Benign for Hereditary cancer-predisposing syndrome. Last evaluated: 2020-06-17. Review status: criteria provided, single submitter. Criteria: Feliubadaló L et al. (Clin Chem 2021). Collection method: clinical testing. Allele origin: germline. Affected: yes. Observed: 9 heterozygotes. Clinical features observed: Bilateral breast cancer, Bilateral Breast carcinoma, Breast carcinoma, Ovarian papillary tumor, Neoplasm of stomach, Colorectal cancer, Mucinous colorectal cancer.
Comment: The c.5071A>T (p.Ser1691Arg) missense variant has an allele frequency of 0.18%, (476/268,092 alleles) in the gnomAD v2.1.1 non-cancer dataset, with a maximal frequency of 0.30%, (354/117,946 alleles) in the European (non-Finnish) subpopulation (BS1). This variant has also been observed in homozygosis in 3 individuals of the gnomAD v2.1.1 non-neuro dataset (BS2_Supporting). Functional studies with the variant protein modelled in an ATM-null lymphoblastoid cell line and proper controls showed that: 1) the level of ATM protein was comparable to that of the positive control; 2) the ability of the modeled protein to phosphorylate Smc1, Nbs1, Chk2, and p53 following exposure of the cells to ionizing radiation and to autophosphorylate serine 1981 was also no different from the positive control; 3)The variant protein formed foci that colocalized with yH2AX following exposure to ionizing radiation (BS3; PMID:19431188). Therefore, this variant meets criteria to be classified as benign. Adapted ACMG/AMP rules applied as defined by the Spanish ATM working group: BS1 + BS2_Supporting + BS3 (PMID: 33280026).

Sema4
Classification: Benign for Hereditary cancer-predisposing syndrome. Last evaluated: 2020-05-14. Review status: criteria provided, single submitter. Criteria: Sema4 Curation Guidelines. Collection method: curation. Allele origin: germline.

Mendelics
Classification: Benign for Ataxia-telangiectasia syndrome. Last evaluated: 2018-07-02. Review status: criteria provided, single submitter. Criteria: Mendelics Assertion Criteria 2017. Collection method: clinical testing. Allele origin: unknown.

SIB Swiss Institute of Bioinformatics
Classification: Benign for Ataxia-telangiectasia syndrome. Last evaluated: 2018-05-31. Review status: criteria provided, single submitter. Criteria: ACMG Guidelines, 2015. Collection method: curation. Allele origin: unknown.
Comment: This variant is interpreted as a Benign, for Ataxia-telangiectasia, in Autosomal Recessive manner. The following ACMG Tag(s) were applied: BS2 => Observed in a healthy adult individual for a recessive (homozygous), dominant (heterozygous), or X-linked (hemizygous) disorder, with full penetrance expected at an early age. BP4 => Multiple lines of computational evidence suggest no impact on gene or gene product (conservation, evolutionary, splicing impact, etc.). BS3 => Well-established in vitro or in vivo functional studies show no damaging effect on protein function or splicing (PMID:19431188).

Women's Health and Genetics/Laboratory Corporation of America, LabCorp
Classification: Benign. Last evaluated: 2017-09-19. Review status: criteria provided, single submitter. Criteria: LabCorp Variant Classification Summary - May 2015. Collection method: clinical testing. Allele origin: germline.
Comment: Variant summary: The ATM c.5071A>C (p.Ser1691Arg) variant involves the alteration of a non-conserved nucleotide. 3/4 in silico tools predict a benign outcome for this variant (SNPs&GO not captured due to low reliability index). This variant was found in 493/276958 control chromosomes (3 homozygotes) at a frequency of 0.001780, which is approximately 2 times the estimated maximal expected allele frequency of a pathogenic ATM variant (0.0010005), suggesting this variant is likely a benign polymorphism. The variant has been reported in multiple breast cancer cases and cancer families, and in one ataxia-telangiectasia patient. None of the publications provide strong evidence for causality, lacking co-occurrence and co-segregation data, and often not providing the BRCA status of affected individuals. Multiple reputable clinical labs have classified this variant as likely benign/benign, without evidence to independently evaluate. Taken together, based on the prevalence in general population and by applying ACMG rules, the variant was classified as benign.

Genome Diagnostics Laboratory, University Medical Center Utrecht
Classification: Likely benign for Ataxia-telangiectasia syndrome. Last evaluated: 2017-06-02. Review status: criteria provided, single submitter. Criteria: ACGS Guidelines, 2013. Collection method: clinical testing. Allele origin: germline. Affected: yes. Study: VKGL Data-share Consensus.

NM_000051.4(ATM):c.5071A>C (p.Ser1691Arg)

Gene: ATM (ATM serine/threonine kinase; plus strand). Cytogenetic location: 11q22.3.
Variant type: single nucleotide variant.
Coding change: c.5071A>C on transcript NM_000051.4 (MANE Select); coding-DNA position 5071, A replaced by C.
Protein change: p.Ser1691Arg; replaces serine 1691 with arginine.
Molecular consequence: missense variant.
Genome position (GRCh38, 1-based): chr11:108,299,779, A>C. VCF-style: chr11-108299779-A-C. GRCh37 (hg19) VCF-style: chr11-108170506-A-C.
Other names: p.S1691R:AGT>CGT; NM_000051.3(ATM):c.5071A>C(p.Ser1691Arg); c.5071A>C, p.Ser1691Arg (NM_001351834.2); short protein forms S1691R.
Identifiers: ClinVar variation 127399 (VCV000127399.93), dbSNP rs1800059, ClinGen allele CA157131.